The following is an entry in ClinVar:

NM_005726.6(TSFM):c.251A>G (p.Lys84Arg)

Gene: TSFM (Ts translation elongation factor, mitochondrial; plus strand). Cytogenetic location: 12q14.1.
Variant type: single nucleotide variant.
Coding change: c.251A>G on transcript NM_005726.6 (MANE Select); coding-DNA position 251, A replaced by G.
Protein change: p.Lys84Arg; replaces lysine 84 with arginine.
Molecular consequence: missense variant.
Genome position (GRCh38, 1-based): chr12:57,786,182, A>G. VCF-style: chr12-57786182-A-G. GRCh37 (hg19) VCF-style: chr12-58179965-A-G.
Other names: c.251A>G, p.Lys84Arg (NM_001172695.2, NM_001172696.2, NM_001172697.2); short protein forms K84R.
Identifiers: ClinVar variation 1521988 (VCV001521988.6), dbSNP rs776816831, ClinGen allele CA237830242.

ClinVar aggregate classification (germline): Uncertain significance (1 of 4 stars; one submission).

Allele frequency attached by ClinVar (database versions not stated): gnomAD exomes below 0.00001; gnomAD 0.00001.
gnomAD v4.1: 3 of 1,607,350 alleles (0.00019%); highest among the groups gnomAD compares: Middle Eastern, 0.016%; no homozygotes.

Submission:

Labcorp Genetics (formerly Invitae), Labcorp
Classification: Uncertain significance. Last evaluated: 2023-05-15. Review status: criteria provided, single submitter. Criteria: Invitae Variant Classification Sherloc (09022015). Collection method: clinical testing. Allele origin: germline.
Comment: In summary, the available evidence is currently insufficient to determine the role of this variant in disease. Therefore, it has been classified as a Variant of Uncertain Significance. An algorithm developed to predict the effect of missense changes on protein structure and function (PolyPhen-2) suggests that this variant is likely to be tolerated. ClinVar contains an entry for this variant (Variation ID: 1521988). This variant has not been reported in the literature in individuals affected with TSFM-related conditions. This variant is not present in population databases (gnomAD no frequency). This sequence change replaces lysine, which is basic and polar, with arginine, which is basic and polar, at codon 84 of the TSFM protein (p.Lys84Arg).